The following is an entry in ClinVar:

ClinVar aggregate classification (germline): Conflicting classifications of pathogenicity. Review status: criteria provided, conflicting classifications (1 of 4 stars). 2 submissions from 2 submitters: Uncertain significance (1); Likely benign (1). Last evaluated 2026-07-06.

Conditions:
Hereditary cancer-predisposing syndrome. Also called: Hereditary Cancer Syndrome; Hereditary neoplastic syndrome; Neoplastic Syndromes, Hereditary; Tumor predisposition. Identifiers: Orphanet 140162, MedGen C0027672, MeSH D009386, MONDO:0015356.
BAP1-related tumor predisposition syndrome (TPDS1). Also called: COMMON Syndrome; TUMOR PREDISPOSITION SYNDROME 1; BAP1 tumor predisposition syndrome; Tumor susceptibility linked to germline BAP1 mutations. Identifiers: Orphanet 289539, MedGen C3280492, MONDO:0013692, OMIM 614327.

Submissions (2):

Ambry Genetics
Classification: Likely benign for Hereditary cancer-predisposing syndrome. Last evaluated: 2026-07-06. Review status: criteria provided, single submitter. Criteria: Ambry Variant Classification Scheme 2023. Collection method: clinical testing. Allele origin: germline.

Labcorp Genetics (formerly Invitae), Labcorp
Classification: Uncertain significance for BAP1-related tumor predisposition syndrome. Last evaluated: 2025-12-10. Review status: criteria provided, single submitter. Criteria: Invitae Variant Classification Sherloc (09022015). Collection method: clinical testing. Allele origin: germline.
Comment: This sequence change replaces glycine, which is neutral and non-polar, with alanine, which is neutral and non-polar, at codon 427 of the BAP1 protein (p.Gly427Ala). This variant is not present in population databases (gnomAD no frequency). This variant has not been reported in the literature in individuals affected with BAP1-related conditions. Invitae Evidence Modeling of protein sequence and biophysical properties (such as structural, functional, and spatial information, amino acid conservation, physicochemical variation, residue mobility, and thermodynamic stability) indicates that this missense variant is not expected to disrupt BAP1 protein function with a negative predictive value of 80%. In summary, the available evidence is currently insufficient to determine the role of this variant in disease. Therefore, it has been classified as a Variant of Uncertain Significance.

NM_004656.4(BAP1):c.1280G>C (p.Gly427Ala)

Gene: BAP1 (BRCA1 associated deubiquitinase 1; minus strand). Cytogenetic location: 3p21.1.
Variant type: single nucleotide variant.
Coding change: c.1280G>C on transcript NM_004656.4 (MANE Select); coding-DNA position 1280, G replaced by C.
Protein change: p.Gly427Ala; replaces glycine 427 with alanine.
Molecular consequence: missense variant.
Genome position (GRCh38, 1-based): chr3:52,403,865, C>G on the plus strand (G>C on the coding strand, the complement: BAP1 is on the minus strand). VCF-style: chr3-52403865-C-G. GRCh37 (hg19) VCF-style: chr3-52437881-C-G.
Other names: c.1226G>C, p.Gly409Ala (NM_001410772.1); short protein forms G409A, G427A.
Identifiers: ClinVar variation 4766403 (VCV004766403.2).